The following is an entry in ClinVar:

ClinVar aggregate classification (germline): Uncertain significance (1 of 4 stars; one submission).

Submission:

Labcorp Genetics (formerly Invitae), Labcorp
Classification: Uncertain significance. Last evaluated: 2023-02-02. Review status: criteria provided, single submitter. Criteria: Invitae Variant Classification Sherloc (09022015). Collection method: clinical testing. Allele origin: germline.
Comment: In summary, the available evidence is currently insufficient to determine the role of this variant in disease. Therefore, it has been classified as a Variant of Uncertain Significance. Advanced modeling of protein sequence and biophysical properties (such as structural, functional, and spatial information, amino acid conservation, physicochemical variation, residue mobility, and thermodynamic stability) performed at Invitae indicates that this missense variant is not expected to disrupt EPB41 protein function. This variant has not been reported in the literature in individuals affected with EPB41-related conditions. This variant is not present in population databases (gnomAD no frequency). This sequence change replaces glutamic acid, which is acidic and polar, with lysine, which is basic and polar, at codon 403 of the EPB41 protein (p.Glu403Lys).

NM_001376013.1(EPB41):c.1834G>A (p.Glu612Lys)

Gene: EPB41 (erythrocyte membrane protein band 4.1; plus strand). Cytogenetic location: 1p35.3.
Variant type: single nucleotide variant.
Coding change: c.1834G>A on transcript NM_001376013.1 (MANE Select); coding-DNA position 1834, G replaced by A.
Protein change: p.Glu612Lys; replaces glutamic acid 612 with lysine.
Molecular consequence: missense variant.
Genome position (GRCh38, 1-based): chr1:29,053,301, G>A. VCF-style: chr1-29053301-G-A. GRCh37 (hg19) VCF-style: chr1-29379813-G-A.
Other names: c.1834G>A, p.Glu612Lys (NM_001166005.2, NM_001166006.2, NM_001376014.1 and 5 more transcripts); c.1207G>A, p.Glu403Lys (NM_001166007.2, NM_001376022.1, NM_001376023.1 and 5 more transcripts); c.1831G>A, p.Glu611Lys (NM_001376018.1, NM_001376020.1); c.1204G>A, p.Glu402Lys (NM_001376026.1, NM_001376028.1); c.1729G>A, p.Glu577Lys (NM_203343.3); short protein forms E612K, E403K, E577K, E611K, E402K.
Identifiers: ClinVar variation 2825890 (VCV002825890.3), dbSNP rs2548451643, ClinGen allele CA339526020.